The following is an entry in ClinVar:

ClinVar aggregate classification (germline): Uncertain significance (1 of 4 stars; one submission).

Conditions:
NTRK2-related disorder. Also called: NTRK2-related condition.

gnomAD v4.1: 1 of 1,614,136 alleles (0.000062%); highest among the groups gnomAD compares: Non-Finnish European, 0.000085%; no homozygotes.

Submission:

PreventionGenetics, part of Exact Sciences
Classification: Uncertain significance for NTRK2-related condition. Last evaluated: 2025-01-13. Review status: criteria provided, single submitter. Criteria: ACMG Guidelines, 2015. Collection method: clinical testing. Allele origin: germline.
Comment: The NTRK2 c.2200C>T variant is predicted to result in the amino acid substitution p.Arg734Cys. To our knowledge, this variant has not been reported as a germline variant in association with disorders in the literature. This variant is reported in 0.00088% of alleles in individuals of European (Non-Finnish) descent in gnomAD. At this time, the clinical significance of this variant is uncertain due to the absence of conclusive functional and genetic evidence.

NM_006180.6(NTRK2):c.2200C>T (p.Arg734Cys)

Gene: NTRK2 (neurotrophic receptor tyrosine kinase 2; plus strand). Cytogenetic location: 9q21.33.
Variant type: single nucleotide variant.
Coding change: c.2200C>T on transcript NM_006180.6 (MANE Select); coding-DNA position 2200, C replaced by T.
Protein change: p.Arg734Cys; replaces arginine 734 with cysteine.
Molecular consequence: missense variant.
Genome position (GRCh38, 1-based): chr9:85,020,233, C>T. VCF-style: chr9-85020233-C-T. GRCh37 (hg19) VCF-style: chr9-87635148-C-T.
Other names: c.2152C>T, p.Arg718Cys (NM_001018064.3, NM_001369532.1, NM_001369533.1); c.2116C>T, p.Arg706Cys (NM_001369534.1); c.1684C>T, p.Arg562Cys (NM_001369535.1); c.1732C>T, p.Arg578Cys (NM_001369536.1); short protein forms R562C, R578C, R706C, R718C, R734C.
Identifiers: ClinVar variation 3352141 (VCV003352141.2).
Genomic context (GRCh38, chr9:85,020,233, plus strand): 5'-CTGATGCCTCCCTGTTGATCCCTTTCTCCCCAGGTCGGTGGCCACACAATGCTGCCCATT[C>T]GCTGGATGCCTCCAGAGAGCATCATGTACAGGAAATTCACGACGGAAAGCGACGTCTGGA-3'
Protein context (NP_006171.2, residues 724-744): RVGGHTMLPI[Arg734Cys]WMPPESIMYR